The following is an entry in ClinVar:

NM_033056.4(PCDH15):c.5642G>T (p.Gly1881Val)

Gene: PCDH15 (protocadherin related 15; minus strand). Cytogenetic location: 10q21.1.
Variant type: single nucleotide variant.
Coding change: c.5642G>T on transcript NM_033056.4 (MANE Plus Clinical); coding-DNA position 5642, G replaced by T.
Protein change: p.Gly1881Val; replaces glycine 1881 with valine.
Molecular consequence: missense variant. On other transcripts: intron variant (8).
Genome position (GRCh38, 1-based): chr10:53,822,084, C>A on the plus strand (G>T on the coding strand, the complement: PCDH15 is on the minus strand). VCF-style: chr10-53822084-C-A. GRCh37 (hg19) VCF-style: chr10-55581844-C-A.
Other names: c.4388+3052G>T (NM_001142771.2); c.4373+3052G>T (NM_001142770.3, NM_001142772.2); c.4388+5309G>T (NM_001354411.2); c.4409+3052G>T (NM_001142769.3); c.5663G>T, p.Gly1888Val (NM_001142763.2); c.5648G>T, p.Gly1883Val (NM_001142764.2); c.5435G>T, p.Gly1812Val (NM_001142765.2); c.5633G>T, p.Gly1878Val (NM_001142766.2); and 7 more; short protein forms G1858V, G1859V, G1878V, G1881V, G1812V, G1841V, G1861V, G1888V.
Identifiers: ClinVar variation 667308 (VCV000667308.15), dbSNP rs760992741, ClinGen allele CA5504990.

ClinVar aggregate classification (germline): Uncertain significance. Review status: criteria provided, multiple submitters, no conflicts (2 of 4 stars). 7 submissions from 7 submitters: Uncertain significance (6). 1 of the submissions does not count toward it. Last evaluated 2024-08-30.

Conditions:
Autosomal recessive nonsyndromic hearing loss 23. Identifiers: Orphanet 90636, MedGen C1836027, MONDO:0012293, OMIM 609533.
Usher syndrome type 1D (USH1D). Also called: USHER SYNDROME, TYPE ID. Identifiers: Orphanet 231169, Orphanet 886, MedGen C1832845, MONDO:0010984, OMIM 601067.
Usher syndrome type 1F (USH1F). Also called: USHER SYNDROME, TYPE IF. Identifiers: Orphanet 231169, Orphanet 886, MedGen C1865885, MONDO:0011186, OMIM 602083.
Inborn genetic diseases. Identifiers: MedGen C0950123, MeSH D030342.

Allele frequency attached by ClinVar (database versions not stated): TOPMed 0.00003; gnomAD 0.00003 and 0.00002.
gnomAD v4.1: 46 of 1,613,852 alleles (0.0029%); highest among the groups gnomAD compares: East Asian, 0.025%; 1 homozygote.

Submissions (7):

Blueprint Genetics
Classification: Uncertain significance. Last evaluated: 2024-08-30. Review status: criteria provided, single submitter. Criteria: ACMG Guidelines, 2015. Collection method: clinical testing. Allele origin: germline.

Ambry Genetics
Classification: Uncertain significance for Inborn genetic diseases. Last evaluated: 2023-08-04. Review status: criteria provided, single submitter. Criteria: Ambry Variant Classification Scheme 2023. Collection method: clinical testing. Allele origin: germline.

Labcorp Genetics (formerly Invitae), Labcorp
Classification: Uncertain significance. Last evaluated: 2022-09-01. Review status: criteria provided, single submitter. Criteria: Invitae Variant Classification Sherloc (09022015). Collection method: clinical testing. Allele origin: germline.
Comment: This sequence change replaces glycine, which is neutral and non-polar, with valine, which is neutral and non-polar, at codon 1881 of the PCDH15 protein (p.Gly1881Val). This variant is present in population databases (rs760992741, gnomAD 0.01%). This variant has not been reported in the literature in individuals affected with PCDH15-related conditions. ClinVar contains an entry for this variant (Variation ID: 667308). Algorithms developed to predict the effect of missense changes on protein structure and function are either unavailable or do not agree on the potential impact of this missense change (SIFT: "Deleterious"; PolyPhen-2: "Not Available"; Align-GVGD: "Class C0"). In summary, the available evidence is currently insufficient to determine the role of this variant in disease. Therefore, it has been classified as a Variant of Uncertain Significance.

Fulgent Genetics
Classification: Uncertain significance for Usher syndrome type 1D; Usher syndrome type 1F; Autosomal recessive nonsyndromic hearing loss 23. Last evaluated: 2022-02-23. Review status: criteria provided, single submitter. Criteria: ACMG Guidelines, 2015. Collection method: clinical testing. Allele origin: unknown.

GeneDx
Classification: Uncertain significance. Last evaluated: 2019-10-08. Review status: criteria provided, single submitter. Criteria: GeneDx Variant Classification Process June 2021. Collection method: clinical testing. Allele origin: germline. Affected: yes.
Comment: Not observed at a significant frequency in large population cohorts (Lek et al., 2016); In silico analysis, which includes protein predictors and evolutionary conservation, supports that this variant does not alter protein structure/function; Has not been previously published as pathogenic or benign to our knowledge

Laboratory for Molecular Medicine, Mass General Brigham Personalized Medicine
Classification: Uncertain significance. Last evaluated: 2019-03-01. Review status: criteria provided, single submitter. Criteria: LMM Criteria. Collection method: clinical testing. Allele origin: germline. Observed: 1 variant allele.
Comment: The p.Gly1881Val variant in PCDH15 has not been previously reported in individuals with hearing loss or Usher syndrome, but has been identified in 0.01% (2/18394) of East Asian chromosomes by gnomAD. Computational prediction tools and conservation analysis do not provide strong support for or against an impact to the protein. In summary, the clinical significance of this variant is uncertain. ACMG/AMP Criteria applied: PM2_Supporting.

Natera, Inc.
Classification: Uncertain significance for Usher syndrome type 1F. Last evaluated: 2020-01-23. Review status: no assertion criteria provided. Collection method: clinical testing. Allele origin: germline. Not counted in ClinVar's aggregate classification.